The following is an entry in ClinVar:

NM_001164665.2(KIAA1549):c.1207G>A (p.Val403Met)

Gene: KIAA1549 (KIAA1549; minus strand). Cytogenetic location: 7q34.
Variant type: single nucleotide variant.
Coding change: c.1207G>A on transcript NM_001164665.2 (MANE Select); coding-DNA position 1207, G replaced by A.
Protein change: p.Val403Met; replaces valine 403 with methionine.
Molecular consequence: missense variant.
Genome position (GRCh38, 1-based): chr7:138,918,419, C>T on the plus strand (G>A on the coding strand, the complement: KIAA1549 is on the minus strand). VCF-style: chr7-138918419-C-T. GRCh37 (hg19) VCF-style: chr7-138603165-C-T.
Other names: c.1207G>A, p.Val403Met (NM_020910.3); short protein forms V403M.
Identifiers: ClinVar variation 1523414 (VCV001523414.8), dbSNP rs532759133, ClinGen allele CA4506778.
Genomic context (GRCh38, chr7:138,918,419, plus strand): 5'-CCGCACACCAAGTGTATGGTCTGAATGAGGACACCGGGCTCAGGATATGAGTGTTGTCCA[C>T]AGGACCGGGGAGGGCTGAATTGCTATGCAATTCGGATGTTTTGCTGGAGTCGCTAGGGAG-3'
Protein context (NP_001158137.1, residues 393-413): LHSNSALPGP[Val403Met]DNTHILSPVS

ClinVar aggregate classification (germline): Uncertain significance (1 of 4 stars; one submission).

Allele frequency attached by ClinVar (database versions not stated): 1000 Genomes Project 30x 0.00031; gnomAD exomes below 0.00001; TOPMed below 0.00001; ExAC 0.00001; gnomAD 0.00001; 1000 Genomes Project 0.00020.
gnomAD v4.1: 2 of 1,613,966 alleles (0.00012%); highest among the groups gnomAD compares: Admixed American, 0.0033%; no homozygotes.

Submission:

Labcorp Genetics (formerly Invitae), Labcorp
Classification: Uncertain significance. Last evaluated: 2020-10-29. Review status: criteria provided, single submitter. Criteria: Invitae Variant Classification Sherloc (09022015). Collection method: clinical testing. Allele origin: germline.
Comment: This sequence change replaces valine with methionine at codon 403 of the KIAA1549 protein (p.Val403Met). The valine residue is moderately conserved and there is a small physicochemical difference between valine and methionine. In summary, the available evidence is currently insufficient to determine the role of this variant in disease. Therefore, it has been classified as a Variant of Uncertain Significance. Algorithms developed to predict the effect of missense changes on protein structure and function output the following: SIFT: "Deleterious"; PolyPhen-2: "Benign"; Align-GVGD: "Class C0". The methionine amino acid residue is found in multiple mammalian species, suggesting that this missense change does not adversely affect protein function. These predictions have not been confirmed by published functional studies and their clinical significance is uncertain. This variant has not been reported in the literature in individuals with KIAA1549-related conditions. This variant is present in population databases (rs532759133, ExAC 0.009%).